The following is an entry in ClinVar:

NM_014423.4(AFF4):c.2303A>G (p.His768Arg)

Gene: AFF4 (ALF transcription elongation factor 4; minus strand). Cytogenetic location: 5q31.1.
Variant type: single nucleotide variant.
Coding change: c.2303A>G on transcript NM_014423.4 (MANE Select); coding-DNA position 2303, A replaced by G.
Protein change: p.His768Arg; replaces histidine 768 with arginine.
Molecular consequence: missense variant.
Genome position (GRCh38, 1-based): chr5:132,896,327, T>C on the plus strand (A>G on the coding strand, the complement: AFF4 is on the minus strand). VCF-style: chr5-132896327-T-C. GRCh37 (hg19) VCF-style: chr5-132232019-T-C.
Other names: short protein forms H768R.
Identifiers: ClinVar variation 1487936 (VCV001487936.6), dbSNP rs144628972, ClinGen allele CA3408969.

ClinVar aggregate classification (germline): Uncertain significance (1 of 4 stars; one submission).

Conditions:
Cognitive impairment - coarse facies - heart defects - obesity - pulmonary involvement - short stature - skeletal dysplasia syndrome. Also called: COGNITIVE IMPAIRMENT, COARSE FACIES, HEART DEFECTS, OBESITY, PULMONARY INVOLVEMENT, SHORT STATURE, AND SKELETAL DYSPLASIA; Chops syndrome; AFF4-Related CHOPS Syndrome. Identifiers: Orphanet 444077, MedGen C4085597, MONDO:0014609, OMIM 616368.

Allele frequency attached by ClinVar (database versions not stated): gnomAD exomes below 0.00001 and 0.00001; gnomAD 0.00001; ExAC 0.00002; 1000 Genomes Project 30x 0.00016; 1000 Genomes Project 0.00020.
gnomAD v4.1: 6 of 1,586,386 alleles (0.00038%); highest among the groups gnomAD compares: South Asian, 0.0023%; no homozygotes.

Submission:

Labcorp Genetics (formerly Invitae), Labcorp
Classification: Uncertain significance for Cognitive impairment - coarse facies - heart defects - obesity - pulmonary involvement - short stature - skeletal dysplasia syndrome. Last evaluated: 2022-06-11. Review status: criteria provided, single submitter. Criteria: Invitae Variant Classification Sherloc (09022015). Collection method: clinical testing. Allele origin: germline.
Comment: In summary, the available evidence is currently insufficient to determine the role of this variant in disease. Therefore, it has been classified as a Variant of Uncertain Significance. Algorithms developed to predict the effect of sequence changes on RNA splicing suggest that this variant may create or strengthen a splice site. Algorithms developed to predict the effect of missense changes on protein structure and function are either unavailable or do not agree on the potential impact of this missense change (SIFT: "Tolerated"; PolyPhen-2: "Probably Damaging"; Align-GVGD: "Class C0"). This variant has not been reported in the literature in individuals affected with AFF4-related conditions. This variant is present in population databases (rs144628972, gnomAD 0.002%). This sequence change replaces histidine, which is basic and polar, with arginine, which is basic and polar, at codon 768 of the AFF4 protein (p.His768Arg).